The following is an entry in ClinVar:

ClinVar aggregate classification (germline): Uncertain significance (1 of 4 stars; one submission).

Conditions:
Autosomal recessive nonsyndromic hearing loss 42. Identifiers: Orphanet 90636, MedGen C1864818, MONDO:0012326, OMIM 609646.

gnomAD v4.1: 20 of 436,006 alleles (0.0046%); highest among the groups gnomAD compares: Non-Finnish European, 0.0068%; no homozygotes.

Submission:

Victorian Clinical Genetics Services, Murdoch Childrens Research Institute
Classification: Uncertain significance for Autosomal recessive nonsyndromic hearing loss 42. Last evaluated: 2025-02-12. Review status: criteria provided, single submitter. Criteria: ACMG Guidelines, 2015. Collection method: clinical testing. Allele origin: germline. Affected: yes.
Comment: This variant is classified as VUS-3C. Evidence in support of pathogenic classification: Non-canonical splice site variant without proven consequence on splicing (no functional evidence available); Variant is present in gnomAD <0.01 for a recessive condition (v4: 20 heterozygote(s), 0 homozygote(s)); Heterozygous variant detected in trans with a second likely PATHOGENIC heterozygous variant (NM_001199799.2(ILDR1):c.499+1G>A) in a recessive disease. Evidence in support of benign classification: Abnormal splicing is not predicted and nucleotide is poorly conserved. Additional information: This variant is heterozygous; This gene is associated with autosomal recessive disease; This variant has no previous evidence of pathogenicity; No published segregation evidence has been identified for this variant; No published functional evidence has been identified for this variant; No comparable splice variants have previous evidence for pathogenicity; Loss of function is a known mechanism of disease in this gene and is associated with autosomal recessive deafness 42 (MIM#609646).

NM_001199799.2(ILDR1):c.379+8C>T

Gene: ILDR1 (immunoglobulin like domain containing receptor 1; minus strand). Cytogenetic location: 3q13.33.
Variant type: single nucleotide variant.
Coding change: c.379+8C>T on transcript NM_001199799.2 (MANE Select); 8 bases into the intron after coding-DNA position 379, C replaced by T.
Molecular consequence: intron variant.
Genome position (GRCh38, 1-based): chr3:122,005,236, G>A on the plus strand (C>T on the coding strand, the complement: ILDR1 is on the minus strand). VCF-style: chr3-122005236-G-A. GRCh37 (hg19) VCF-style: chr3-121724083-G-A.
Other names: c.379+8C>T (NM_001199800.2, NM_175924.4).
Identifiers: ClinVar variation 4531870 (VCV004531870.1).